The following is an entry in ClinVar:

ClinVar aggregate classification (germline): Uncertain significance (1 of 4 stars; one submission).

gnomAD v4.1: 99 of 1,612,990 alleles (0.0061%); highest among the groups gnomAD compares: Non-Finnish European, 0.0084%; no homozygotes.

Submission:

Ambry Genetics
Classification: Uncertain significance. Last evaluated: 2025-10-15. Review status: criteria provided, single submitter. Criteria: Ambry Variant Classification Scheme 2023. Collection method: clinical testing. Allele origin: germline.
Comment: The c.2156A>T (p.Q719L) alteration is located in exon 1 (coding exon 1) of the SEL1L gene. This alteration results from a A to T substitution at nucleotide position 2156, causing the glutamine (Q) at amino acid position 719 to be replaced by a leucine (L). Based on data from gnomAD, the T allele has an overall frequency of 0.003% (8/250060) total alleles studied. The highest observed frequency was 0.007% (8/113288) of European (non-Finnish) alleles. Based on insufficient or conflicting evidence, the clinical significance of this alteration remains unclear.

NM_005065.6(SEL1L):c.2156A>T (p.Gln719Leu)

Gene: SEL1L (SEL1L adaptor subunit of SYVN1 ubiquitin ligase; minus strand). Cytogenetic location: 14q31.1.
Variant type: single nucleotide variant.
Coding change: c.2156A>T on transcript NM_005065.6 (MANE Select); coding-DNA position 2156, A replaced by T.
Protein change: p.Gln719Leu; replaces glutamine 719 with leucine.
Molecular consequence: missense variant.
Genome position (GRCh38, 1-based): chr14:81,479,631, T>A on the plus strand (A>T on the coding strand, the complement: SEL1L is on the minus strand). VCF-style: chr14-81479631-T-A. GRCh37 (hg19) VCF-style: chr14-81945975-T-A.
Other names: short protein forms Q719L.
Identifiers: ClinVar variation 4582013 (VCV004582013.1).